The following is an entry in ClinVar:

ClinVar aggregate classification (germline): Uncertain significance (1 of 4 stars; one submission).

Conditions:
COL4A1 or COL4A2-related cerebral small vessel disease. Identifiers: Orphanet 477759, MedGen C5680103, MONDO:0018788.

Allele frequency attached by ClinVar (database versions not stated): gnomAD exomes below 0.00001.

Submission:

Victorian Clinical Genetics Services, Murdoch Childrens Research Institute
Classification: Uncertain significance for COL4A1 or COL4A2-related cerebral small vessel disease. Last evaluated: 2020-05-25. Review status: criteria provided, single submitter. Criteria: ACMG Guidelines, 2015. Collection method: clinical testing. Allele origin: germline. Inheritance: Autosomal dominant inheritance.
Comment: Based on the classification scheme VCGS_Germline_v1.1.1, this variant is classified as 3C-VUS. Following criteria are met: 0102 - Loss-of-function is a known mechanism of disease for this gene. (N) 0104 - Dominant Negative is a mechanism of disease for this gene. (N) 0107 - This gene is known to be associated with autosomal dominant disease. (N) 0112 - Variants in this gene are known to have reduced penetrance (PMID:21625620). (N) 0200 - Variant is predicted to result in a missense amino acid change from an alanine to a threonine (exon 2). (N) 0251 - Variant is heterozygous. (N) 0301 - Variant is absent from gnomAD. (P) 0502 - Missense variant with conflicting in silico predictions. (N) 0503 - Missense variant is not conserved in mammals with a minor amino acid change. (B) 0600 - Variant is located in an annotated domain or motif (N-terminal propeptide domain; PDB). (N) 0705 - No comparable variants have previous evidence for pathogenicity. (N) 0807 - Variant has not previously been reported in a clinical context. (N) 0905 - No segregation evidence has been identified for this variant. (N) 1007 - No published functional evidence has been identified for this variant. (N) 1208 - Inheritance information for this variant is not currently available. (N) Legend: (P) - Pathogenic, (N) - Neutral, (B) - Benign

Literature cited by the submitters: PubMed 21625620.

NM_001845.6(COL4A1):c.94G>A (p.Ala32Thr)

Gene: COL4A1 (collagen type IV alpha 1 chain; minus strand). Cytogenetic location: 13q34.
Variant type: single nucleotide variant.
Coding change: c.94G>A on transcript NM_001845.6 (MANE Select); coding-DNA position 94, G replaced by A.
Protein change: p.Ala32Thr; replaces alanine 32 with threonine.
Molecular consequence: missense variant.
Genome position (GRCh38, 1-based): chr13:110,242,725, C>T on the plus strand (G>A on the coding strand, the complement: COL4A1 is on the minus strand). VCF-style: chr13-110242725-C-T. GRCh37 (hg19) VCF-style: chr13-110895072-C-T.
Other names: c.94G>A, p.Ala32Thr (NM_001303110.2); short protein forms A32T.
Identifiers: ClinVar variation 1699178 (VCV001699178.2), dbSNP rs2139245837, ClinGen allele CA388731571.